The following is an entry in ClinVar:

ClinVar aggregate classification (germline): Uncertain significance (1 of 4 stars; one submission).

Submission:

Ambry Genetics
Classification: Uncertain significance. Last evaluated: 2023-02-03. Review status: criteria provided, single submitter. Criteria: Ambry Variant Classification Scheme 2023. Collection method: clinical testing. Allele origin: germline.
Comment: The p.P183R variant (also known as c.548C>G), located in coding exon 1 of the MLH3 gene, results from a C to G substitution at nucleotide position 548. The proline at codon 183 is replaced by arginine, an amino acid with dissimilar properties. This amino acid position is conserved. In addition, this alteration is predicted to be deleterious by in silico analysis. Since supporting evidence is limited at this time, the clinical significance of this alteration remains unclear.

NM_001040108.2(MLH3):c.548C>G (p.Pro183Arg)

Gene: MLH3 (mutL homolog 3; minus strand). Cytogenetic location: 14q24.3.
Variant type: single nucleotide variant.
Coding change: c.548C>G on transcript NM_001040108.2 (MANE Select); coding-DNA position 548, C replaced by G.
Protein change: p.Pro183Arg; replaces proline 183 with arginine.
Molecular consequence: missense variant.
Genome position (GRCh38, 1-based): chr14:75,049,108, G>C on the plus strand (C>G on the coding strand, the complement: MLH3 is on the minus strand). VCF-style: chr14-75049108-G-C. GRCh37 (hg19) VCF-style: chr14-75515811-G-C.
Other names: c.548C>G, p.Pro183Arg (NM_014381.3); short protein forms P183R.
Identifiers: ClinVar variation 2497086 (VCV002497086.2), dbSNP rs1321342389, ClinGen allele CA390449916.